The following is an entry in ClinVar:

NM_007146.3(VEZF1):c.33G>A (p.Gln11=)

Genes: VEZF1 (vascular endothelial zinc finger 1; minus strand), LOC130061261 (ATAC-STARR-seq lymphoblastoid silent region 8755; plus strand). Cytogenetic location: 17q22.
Variant type: single nucleotide variant.
Coding change: c.33G>A on transcript NM_007146.3 (MANE Select); coding-DNA position 33, G replaced by A.
Protein change: p.Gln11=; no amino-acid change (glutamine 11 retained).
Molecular consequence: synonymous variant. On other transcripts: 5 prime UTR variant (1).
Genome position (GRCh38, 1-based): chr17:57,988,079, C>T on the plus strand (G>A on the coding strand, the complement: VEZF1 is on the minus strand). VCF-style: chr17-57988079-C-T. GRCh37 (hg19) VCF-style: chr17-56065440-C-T.
Other names: c.-207G>A (NM_001330393.2).
Identifiers: ClinVar variation 4979949 (VCV004979949.1).

ClinVar aggregate classification (germline): Likely benign (1 of 4 stars; one submission).

Conditions:
VEZF1-related disorder. Also called: VEZF1-related condition.

Submission:

PreventionGenetics, part of Exact Sciences
Classification: Likely benign for VEZF1-related condition. Last evaluated: 2026-06-11. Review status: criteria provided, single submitter. Criteria: ACMG Guidelines, 2015. Collection method: clinical testing. Allele origin: germline.
Comment: This variant is classified as likely benign based on ACMG/AMP sequence variant interpretation guidelines (Richards et al. 2015 PMID: 25741868, with internal and published modifications).